The following is an entry in ClinVar:

ClinVar aggregate classification (germline): Uncertain significance (1 of 4 stars; one submission).

Conditions:
Ataxia-telangiectasia syndrome (AT). Also called: Ataxia-telangiectasia, complementation group D; AT, COMPLEMENTATION GROUP C; ATAXIA-TELANGIECTASIA, COMPLEMENTATION GROUP A; ATAXIA-TELANGIECTASIA, FRESNO VARIANT; Ataxia-telangiectasia; Cerebello-oculocutaneous telangiectasia. Identifiers: Orphanet 100, MedGen C0004135, MONDO:0008840, OMIM 208900.

Submission:

Labcorp Genetics (formerly Invitae), Labcorp
Classification: Uncertain significance for Ataxia-telangiectasia syndrome. Last evaluated: 2023-04-30. Review status: criteria provided, single submitter. Criteria: Invitae Variant Classification Sherloc (09022015). Collection method: clinical testing. Allele origin: germline.
Comment: In summary, the available evidence is currently insufficient to determine the role of this variant in disease. Therefore, it has been classified as a Variant of Uncertain Significance. An algorithm developed to predict the effect of missense changes on protein structure and function (PolyPhen-2) suggests that this variant is likely to be tolerated. ClinVar contains an entry for this variant (Variation ID: 1008171). This variant has not been reported in the literature in individuals affected with ATM-related conditions. This variant is not present in population databases (gnomAD no frequency). This sequence change replaces tyrosine, which is neutral and polar, with histidine, which is basic and polar, at codon 1034 of the ATM protein (p.Tyr1034His).

NM_000051.4(ATM):c.3100T>C (p.Tyr1034His)

Gene: ATM (ATM serine/threonine kinase; plus strand). Cytogenetic location: 11q22.3.
Variant type: single nucleotide variant.
Coding change: c.3100T>C on transcript NM_000051.4 (MANE Select); coding-DNA position 3100, T replaced by C.
Protein change: p.Tyr1034His; replaces tyrosine 1034 with histidine.
Molecular consequence: missense variant.
Genome position (GRCh38, 1-based): chr11:108,272,554, T>C. VCF-style: chr11-108272554-T-C. GRCh37 (hg19) VCF-style: chr11-108143281-T-C.
Other names: c.3100T>C, p.Tyr1034His (NM_001351834.2); short protein forms Y1034H.
Identifiers: ClinVar variation 1008171 (VCV001008171.8), dbSNP rs975639638, ClinGen allele CA228357687.
Genomic context (GRCh38, chr11:108,272,554, plus strand): 5'-AATGATTATTTAACTTTGGAAAACTTACTTGATTTCAGGCATCTAACAAAGGAGAGGAAA[T>C]ATATATTCTCTGTAAGAATGGCCCTAGTAAATTGCCTTAAAACTTTGCTTGAGGTGAGTT-3'
Protein context (NP_000042.3, residues 1024-1044): AFWHLTKERK[Tyr1034His]IFSVRMALVN